The following is an entry in ClinVar:

ClinVar aggregate classification (germline): Uncertain significance (1 of 4 stars; one submission).

Conditions:
RASopathy. Also called: rasopathies; Noonan spectrum disorder. Identifiers: Orphanet 536391, MedGen C5555857, MONDO:0021060.

Submission:

Labcorp Genetics (formerly Invitae), Labcorp
Classification: Uncertain significance for RASopathy. Last evaluated: 2025-11-27. Review status: criteria provided, single submitter. Criteria: Invitae Variant Classification Sherloc (09022015). Collection method: clinical testing. Allele origin: germline.
Comment: This sequence change replaces cysteine, which is neutral and slightly polar, with tryptophan, which is neutral and slightly polar, at codon 396 of the CBL protein (p.Cys396Trp). This variant is not present in population databases (gnomAD no frequency). This variant has not been reported in the literature in individuals affected with CBL-related conditions. Invitae Evidence Modeling of protein sequence and biophysical properties (such as structural, functional, and spatial information, amino acid conservation, physicochemical variation, residue mobility, and thermodynamic stability) indicates that this missense variant is expected to disrupt CBL protein function with a positive predictive value of 95%. In summary, the available evidence is currently insufficient to determine the role of this variant in disease. Therefore, it has been classified as a Variant of Uncertain Significance.

NM_005188.4(CBL):c.1188T>G (p.Cys396Trp)

Gene: CBL (Cbl proto-oncogene; plus strand). Cytogenetic location: 11q23.3.
Variant type: single nucleotide variant.
Coding change: c.1188T>G on transcript NM_005188.4 (MANE Select); coding-DNA position 1188, T replaced by G.
Protein change: p.Cys396Trp; replaces cysteine 396 with tryptophan.
Molecular consequence: missense variant.
Genome position (GRCh38, 1-based): chr11:119,278,258, T>G. VCF-style: chr11-119278258-T-G. GRCh37 (hg19) VCF-style: chr11-119148968-T-G.
Other names: short protein forms C396W.
Identifiers: ClinVar variation 4800611 (VCV004800611.1).